The following is an entry in ClinVar:

ClinVar aggregate classification (germline): Likely benign. Review status: criteria provided, single submitter (1 of 4 stars). 2 submissions from 2 submitters: Likely benign (1). 1 of the submissions does not count toward it. Last evaluated 2022-03-09.

Conditions:
FLVCR1-related disorder. Also called: FLVCR1-related condition.

Allele frequency attached by ClinVar (database versions not stated): gnomAD 0.00001; gnomAD exomes 0.00001; ExAC 0.00002.
gnomAD v4.1: 9 of 1,613,866 alleles (0.00056%); highest among the groups gnomAD compares: South Asian, 0.0033%; no homozygotes.

Submissions (2):

Labcorp Genetics (formerly Invitae), Labcorp
Classification: Likely benign. Last evaluated: 2022-03-09. Review status: criteria provided, single submitter. Criteria: Invitae Variant Classification Sherloc (09022015). Collection method: clinical testing. Allele origin: germline.

PreventionGenetics, part of Exact Sciences
Classification: Likely benign for FLVCR1-related condition. Last evaluated: 2019-05-06. Review status: no assertion criteria provided. Collection method: clinical testing. Allele origin: germline. Not counted in ClinVar's aggregate classification.
Comment: This variant is classified as likely benign based on ACMG/AMP sequence variant interpretation guidelines (Richards et al. 2015 PMID: 25741868, with internal and published modifications).

NM_014053.4(FLVCR1):c.738+8C>T

Gene: FLVCR1 (FLVCR choline and heme transporter 1; plus strand). Cytogenetic location: 1q32.3.
Variant type: single nucleotide variant.
Coding change: c.738+8C>T on transcript NM_014053.4 (MANE Select); 8 bases into the intron after coding-DNA position 738, C replaced by T.
Molecular consequence: intron variant.
Genome position (GRCh38, 1-based): chr1:212,859,198, C>T. VCF-style: chr1-212859198-C-T. GRCh37 (hg19) VCF-style: chr1-213032540-C-T.
Other names: c.738+8C>T (NM_014053.3).
Identifiers: ClinVar variation 1537504 (VCV001537504.10), dbSNP rs774389293, ClinGen allele CA1385936.
Genomic context (GRCh38, chr1:212,859,198, plus strand): 5'-TTGGGCCCAAAGAGGTGTCCACAGCTTGTGCCACCGCCGTGCTGGGCAATCAGGTAAGTA[C>T]TGGAGTGGTAGGTGAAAGTCAGATCCTTAAAAGACCGGAAAAAGTCATAGGCCGTGAGAA-3'